The following is an entry in ClinVar:

ClinVar aggregate classification (germline): Uncertain significance. Review status: criteria provided, multiple submitters, no conflicts (2 of 4 stars). 2 submissions from 2 submitters: Uncertain significance (2). Last evaluated 2023-07-24.

Conditions:
Retinitis pigmentosa (RP). Identifiers: Orphanet 791, MedGen C0035334, MeSH D012174, MONDO:0019200, OMIM 268000. Inheritance: Autosomal dominant, autosomal recessive and X linked inheritance.
Retinitis pigmentosa 4 (RP4). Also called: RETINITIS PIGMENTOSA, RHODOPSIN-RELATED. Identifiers: Orphanet 791, MedGen C3151001, MONDO:0013395, OMIM 613731.

Submissions (2):

Ophthalmic Genetics Group, Institute of Molecular and Clinical Ophthalmology Basel
Classification: Uncertain significance for Retinitis pigmentosa. Last evaluated: 2023-07-24. Review status: criteria provided, single submitter. Criteria: ACMG Guidelines, 2015. Collection method: research. Allele origin: germline. Affected: yes. Observed: 1 variant allele.
Comment: Clinical significance based on ACMG v2.0

This variant was classified as Uncertain significance based on ACMG criteria: PM2, PM4, PM1.

Centre for Genomic Medicine, Manchester, Central Manchester University Hospitals
Classification: Uncertain significance for Retinitis pigmentosa 4. Last evaluated: 2020-09-01. Review status: criteria provided, single submitter. Criteria: ACMG Guidelines, 2015. Collection method: clinical testing. Allele origin: germline. Affected: yes. Observed: 2 heterozygotes.

Literature cited by the submitters: PubMed 36909829 (cited by Ophthalmic Genetics Group, Institute of Molecular and Clinical Ophthalmology Basel).

NM_000539.3(RHO):c.766_777del (p.Ile256_Ile259del)

Gene: RHO (rhodopsin; plus strand). Cytogenetic location: 3q22.1.
Variant type: Deletion.
Coding change: c.766_777del on transcript NM_000539.3 (MANE Select); coding-DNA positions 766 to 777, 12 bases deleted (ATCATGGTCATC).
Protein change: p.Ile256_Ile259del.
Molecular consequence: inframe deletion.
Genome position (GRCh38, 1-based): chr3:129,532,602-129,532,613, ATCATGGTCATC deleted; deleting any 12 consecutive bases within chr3:129,532,592-129,532,613 gives the same sequence; the c. name uses the placement nearest the transcript's 3' end. VCF-style (leftmost placement, unchanged base first): chr3-129532591-GCATGGTCATCAT-G. GRCh37 (hg19) VCF-style: chr3-129251434-GCATGGTCATCAT-G.
Other names: NC_000003.11:g.129251445_129251456del; NP_000530.1:p.(Ile256_Ile259del).
Identifiers: ClinVar variation 984789 (VCV000984789.3), dbSNP rs2084789093, ClinGen allele CA1139655829.